The following is an entry in ClinVar:

ClinVar aggregate classification (germline): Uncertain significance. Review status: criteria provided, multiple submitters, no conflicts (2 of 4 stars). 2 submissions from 2 submitters: Uncertain significance (2). Last evaluated 2024-01-31.

Conditions:
Inborn genetic diseases. Identifiers: MedGen C0950123, MeSH D030342.
Hermansky-Pudlak syndrome 9 (HPS9). Identifiers: Orphanet 280663, Orphanet 79430, MedGen C3280026, MONDO:0013606, OMIM 614171.

Allele frequency attached by ClinVar (database versions not stated): gnomAD 0.00001; gnomAD exomes 0.00001; TOPMed 0.00002.
gnomAD v4.1: 14 of 1,614,152 alleles (0.00087%); highest among the groups gnomAD compares: East Asian, 0.0045%; no homozygotes.

Submissions (2):

Ambry Genetics
Classification: Uncertain significance for Inborn genetic diseases. Last evaluated: 2024-01-31. Review status: criteria provided, single submitter. Criteria: Ambry Variant Classification Scheme 2023. Collection method: clinical testing. Allele origin: germline.

Labcorp Genetics (formerly Invitae), Labcorp
Classification: Uncertain significance for Hermansky-Pudlak syndrome 9. Last evaluated: 2022-08-16. Review status: criteria provided, single submitter. Criteria: Invitae Variant Classification Sherloc (09022015). Collection method: clinical testing. Allele origin: germline.
Comment: This sequence change replaces leucine, which is neutral and non-polar, with tryptophan, which is neutral and slightly polar, at codon 61 of the BLOC1S6 protein (p.Leu61Trp). This variant is not present in population databases (gnomAD no frequency). This variant has not been reported in the literature in individuals affected with BLOC1S6-related conditions. ClinVar contains an entry for this variant (Variation ID: 574164). Algorithms developed to predict the effect of missense changes on protein structure and function (SIFT, PolyPhen-2, Align-GVGD) all suggest that this variant is likely to be disruptive. In summary, the available evidence is currently insufficient to determine the role of this variant in disease. Therefore, it has been classified as a Variant of Uncertain Significance.

NM_012388.4(BLOC1S6):c.182T>G (p.Leu61Trp)

Gene: BLOC1S6 (biogenesis of lysosomal organelles complex 1 subunit 6; plus strand). Cytogenetic location: 15q21.1.
Variant type: single nucleotide variant.
Coding change: c.182T>G on transcript NM_012388.4 (MANE Select); coding-DNA position 182, T replaced by G.
Protein change: p.Leu61Trp; replaces leucine 61 with tryptophan.
Molecular consequence: missense variant. On other transcripts: non-coding transcript variant (5).
Genome position (GRCh38, 1-based): chr15:45,592,234, T>G. VCF-style: chr15-45592234-T-G. GRCh37 (hg19) VCF-style: chr15-45884432-T-G.
Other names: c.197T>G, p.Leu66Trp (NM_001311255.1, NM_001311256.1); c.182T>G (NM_012388.2); short protein forms L61W, L66W.
Identifiers: ClinVar variation 574164 (VCV000574164.6), dbSNP rs1048656816, ClinGen allele CA270014624.